The following is an entry in ClinVar:

ClinVar aggregate classification (germline): Uncertain significance (1 of 4 stars; one submission).

Conditions:
BBS10-related disorder. Also called: BBS10-related condition.

Submission:

PreventionGenetics, part of Exact Sciences
Classification: Uncertain significance for BBS10-related condition. Last evaluated: 2025-01-22. Review status: criteria provided, single submitter. Criteria: ACMG Guidelines, 2015. Collection method: clinical testing. Allele origin: germline.
Comment: The BBS10 c.1289T>A variant is predicted to result in the amino acid substitution p.Leu430Gln. To our knowledge, this variant has not been reported in the literature or in a large population database (gnomAD), indicating this variant is rare. At this time, the clinical significance of this variant is uncertain due to the absence of conclusive functional and genetic evidence.

NM_024685.4(BBS10):c.1289T>A (p.Leu430Gln)

Gene: BBS10 (Bardet-Biedl syndrome 10; minus strand). Cytogenetic location: 12q21.2.
Variant type: single nucleotide variant.
Coding change: c.1289T>A on transcript NM_024685.4 (MANE Select); coding-DNA position 1289, T replaced by A.
Protein change: p.Leu430Gln; replaces leucine 430 with glutamine.
Molecular consequence: missense variant.
Genome position (GRCh38, 1-based): chr12:76,346,696, A>T on the plus strand (T>A on the coding strand, the complement: BBS10 is on the minus strand). VCF-style: chr12-76346696-A-T. GRCh37 (hg19) VCF-style: chr12-76740476-A-T.
Other names: short protein forms L430Q.
Identifiers: ClinVar variation 4985878 (VCV004985878.1).